The following is an entry in ClinVar:

ClinVar aggregate classification (germline): Uncertain significance (1 of 4 stars; one submission).

Submission:

GeneDx
Classification: Uncertain significance. Last evaluated: 2016-12-14. Review status: criteria provided, single submitter. Criteria: GeneDx Variant Classification (06012015). Collection method: clinical testing. Allele origin: germline. Affected: yes.
Comment: The E751K variant has not been published as a pathogenic variant, nor has it been reported as a benign variant to our knowledge. The E751K variant was not observed in approximately 6,500 individuals of European and African American ancestry in the NHLBI Exome Sequencing Project, indicating it is not a common benign variant in these populations. The E751K variant is a non-conservative amino acid substitution, which is likely to impact secondary protein structure as these residues differ in polarity, charge, size and/or other properties. This substitution occurs at a position where amino acids with similar properties to Glutamic Acid are tolerated across species. In silico analysis is inconsistent in its predictions as to whether or not the variant is damaging to the protein structure/function. In summary, based on the currently available information, it is unclear whether this variant is a pathogenic variant or a rare benign variant.

NM_001374385.1(ATP8B1):c.2251G>A (p.Glu751Lys)

Genes: ATP8B1-AS1 (ATP8B1 antisense RNA 1; plus strand), ATP8B1 (ATPase phospholipid transporting 8B1; minus strand). Cytogenetic location: 18q21.31.
Variant type: single nucleotide variant.
Coding change: c.2251G>A on transcript NM_001374385.1 (MANE Select); coding-DNA position 2251, G replaced by A.
Protein change: p.Glu751Lys; replaces glutamic acid 751 with lysine.
Molecular consequence: missense variant.
Genome position (GRCh38, 1-based): chr18:57,667,126, C>T on the plus strand (G>A on the coding strand, the complement: ATP8B1 is on the minus strand). VCF-style: chr18-57667126-C-T. GRCh37 (hg19) VCF-style: chr18-55334358-C-T.
Other names: c.2101G>A, p.Glu701Lys (NM_001374386.1); c.2251G>A, p.Glu751Lys (NM_005603.6); short protein forms E751K, E701K.
Identifiers: ClinVar variation 391431 (VCV000391431.2), dbSNP rs1057524081, ClinGen allele CA16607628.